The following is an entry in ClinVar:

ClinVar aggregate classification (germline): Uncertain significance. Review status: criteria provided, multiple submitters, no conflicts (2 of 4 stars). 2 submissions from 2 submitters: Uncertain significance (2). Last evaluated 2024-02-24.

Conditions:
Mucolipidosis type II. Also called: Mucolipidosis 2; ML 2; Inclusion cell disease; Leroy Disease; N-acetylglucosamine 1phosphotransferase deficiency; ML disorder type 2. Identifiers: Orphanet 576, MedGen C2673377, MONDO:0009650, OMIM 252500.
Pseudo-Hurler polydystrophy. Also called: ML IIIA; Mucolipidosis III Alpha/Beta; MUCOLIPIDOSIS IIIA; ML III; ML III ALPHA/BETA; Type III Mucolipidosis. Identifiers: Orphanet 423461, Orphanet 577, MedGen C0033788, MONDO:0018931, OMIM 252600.

Allele frequency attached by ClinVar (database versions not stated): ExAC 0.00001; gnomAD 0.00002; TOPMed 0.00002; gnomAD exomes 0.00001.
gnomAD v4.1: 7 of 1,613,796 alleles (0.00043%); highest among the groups gnomAD compares: Admixed American, 0.0083%; no homozygotes.

Submissions (2):

Labcorp Genetics (formerly Invitae), Labcorp
Classification: Uncertain significance for Pseudo-Hurler polydystrophy; Mucolipidosis type II. Last evaluated: 2024-02-24. Review status: criteria provided, single submitter. Criteria: Invitae Variant Classification Sherloc (09022015). Collection method: clinical testing. Allele origin: germline.
Comment: This sequence change replaces asparagine, which is neutral and polar, with aspartic acid, which is acidic and polar, at codon 351 of the GNPTAB protein (p.Asn351Asp). This variant is present in population databases (rs775643901, gnomAD 0.006%). This variant has not been reported in the literature in individuals affected with GNPTAB-related conditions. ClinVar contains an entry for this variant (Variation ID: 2154085). Advanced modeling of protein sequence and biophysical properties (such as structural, functional, and spatial information, amino acid conservation, physicochemical variation, residue mobility, and thermodynamic stability) performed at Invitae indicates that this missense variant is expected to disrupt GNPTAB protein function with a positive predictive value of 80%. In summary, the available evidence is currently insufficient to determine the role of this variant in disease. Therefore, it has been classified as a Variant of Uncertain Significance.

Mayo Clinic Laboratories, Mayo Clinic
Classification: Uncertain significance. Last evaluated: 2023-03-08. Review status: criteria provided, single submitter. Criteria: ACMG Guidelines, 2015. Collection method: clinical testing. Allele origin: germline. Observed: 1 variant allele.
Comment: PM2

NM_024312.5(GNPTAB):c.1051A>G (p.Asn351Asp)

Gene: GNPTAB (N-acetylglucosamine-1-phosphate transferase subunits alpha and beta; minus strand). Cytogenetic location: 12q23.2.
Variant type: single nucleotide variant.
Coding change: c.1051A>G on transcript NM_024312.5 (MANE Select); coding-DNA position 1051, A replaced by G.
Protein change: p.Asn351Asp; replaces asparagine 351 with aspartic acid.
Molecular consequence: missense variant.
Genome position (GRCh38, 1-based): chr12:101,770,468, T>C on the plus strand (A>G on the coding strand, the complement: GNPTAB is on the minus strand). VCF-style: chr12-101770468-T-C. GRCh37 (hg19) VCF-style: chr12-102164246-T-C.
Other names: p.Asn351Asp; short protein forms N351D.
Identifiers: ClinVar variation 2154085 (VCV002154085.4), dbSNP rs775643901, ClinGen allele CA6746726.